The following is an entry in ClinVar:

NM_000016.6(ACADM):c.907G>A (p.Ala303Thr)

Gene: ACADM (acyl-CoA dehydrogenase medium chain; plus strand). Cytogenetic location: 1p31.1.
Variant type: single nucleotide variant.
Coding change: c.907G>A on transcript NM_000016.6 (MANE Select); coding-DNA position 907, G replaced by A.
Protein change: p.Ala303Thr; replaces alanine 303 with threonine.
Molecular consequence: missense variant.
Genome position (GRCh38, 1-based): chr1:75,750,508, G>A. VCF-style: chr1-75750508-G-A. GRCh37 (hg19) VCF-style: chr1-76216193-G-A.
Other names: c.919G>A, p.Ala307Thr (NM_001127328.3); c.799G>A, p.Ala267Thr (NM_001286042.2); c.1006G>A, p.Ala336Thr (NM_001286043.2); c.340G>A, p.Ala114Thr (NM_001286044.2); short protein forms A303T, A307T, A114T, A336T, A267T.
Identifiers: ClinVar variation 226058 (VCV000226058.13), dbSNP rs875989855, ClinGen allele CA10576238.
Genomic context (GRCh38, chr1:75,750,508, plus strand): 5'-TAGGTAGCTGCTGGTGCTGTTGGATTAGCACAAAGAGCTTTGGATGAAGCTACCAAGTAT[G>A]CCCTGGAAAGGAAAACTTTCGGAAAGCTACTTGTAGAGGTAATTTTAATACTGCTTGCTT-3'
Protein context (NP_000007.1, residues 293-313): QRALDEATKY[Ala303Thr]LERKTFGKLL

ClinVar aggregate classification (germline): Uncertain significance. Review status: criteria provided, multiple submitters, no conflicts (2 of 4 stars). 4 submissions from 4 submitters: Uncertain significance (2). 2 of the submissions do not count toward it. Last evaluated 2023-05-18.

Conditions:
Medium-chain acyl-coenzyme A dehydrogenase deficiency (ACADMD). Also called: MCAD Deficiency; ACADM DEFICIENCY; MCADD; Medium chain acyl-CoA dehydrogenase deficiency; CARNITINE DEFICIENCY SECONDARY TO MEDIUM-CHAIN ACYL-CoA DEHYDROGENASE DEFICIENCY; MCADH DEFICIENCY. Identifiers: Orphanet 42, MedGen C0220710, MONDO:0008721, OMIM 201450.

Allele frequency attached by ClinVar (database versions not stated): gnomAD exomes 0.00001.

Submissions (4):

Labcorp Genetics (formerly Invitae), Labcorp
Classification: Uncertain significance for Medium-chain acyl-coenzyme A dehydrogenase deficiency. Last evaluated: 2023-05-18. Review status: criteria provided, single submitter. Criteria: Invitae Variant Classification Sherloc (09022015). Collection method: clinical testing. Allele origin: germline.
Comment: This sequence change replaces alanine, which is neutral and non-polar, with threonine, which is neutral and polar, at codon 303 of the ACADM protein (p.Ala303Thr). This variant is not present in population databases (gnomAD no frequency). In summary, the available evidence is currently insufficient to determine the role of this variant in disease. Therefore, it has been classified as a Variant of Uncertain Significance. Advanced modeling of protein sequence and biophysical properties (such as structural, functional, and spatial information, amino acid conservation, physicochemical variation, residue mobility, and thermodynamic stability) performed at Invitae indicates that this missense variant is not expected to disrupt ACADM protein function. ClinVar contains an entry for this variant (Variation ID: 226058). This variant has not been reported in the literature in individuals affected with ACADM-related conditions.

ARUP Laboratories, Molecular Genetics and Genomics, ARUP Laboratories
Classification: Uncertain significance for Medium-chain acyl-coenzyme A dehydrogenase deficiency. Last evaluated: 2015-02-20. Review status: criteria provided, single submitter. Criteria: ACMG Guidelines, 2015. Collection method: clinical testing. Allele origin: germline. Inheritance: Autosomal recessive inheritance. Observed: 1 heterozygote.

Natera, Inc.
Classification: Uncertain significance for Medium-chain acyl-coenzyme a dehydrogenase deficiency. Last evaluated: 2020-01-24. Review status: no assertion criteria provided. Collection method: clinical testing. Allele origin: germline. Not counted in ClinVar's aggregate classification.

Counsyl
Classification: Uncertain significance for Medium-chain acyl-coenzyme A dehydrogenase deficiency. Last evaluated: 2017-09-08. Review status: no assertion criteria provided. Collection method: clinical testing. Allele origin: unknown. Not counted in ClinVar's aggregate classification.